The following is an entry in ClinVar:

NM_000742.4(CHRNA2):c.91C>T (p.Arg31Cys)

Gene: CHRNA2 (cholinergic receptor nicotinic alpha 2 subunit; minus strand). Cytogenetic location: 8p21.2.
Variant type: single nucleotide variant.
Coding change: c.91C>T on transcript NM_000742.4 (MANE Select); coding-DNA position 91, C replaced by T.
Protein change: p.Arg31Cys; replaces arginine 31 with cysteine.
Molecular consequence: missense variant. On other transcripts: 5 prime UTR variant (4).
Genome position (GRCh38, 1-based): chr8:27,469,964, G>A on the plus strand (C>T on the coding strand, the complement: CHRNA2 is on the minus strand). VCF-style: chr8-27469964-G-A. GRCh37 (hg19) VCF-style: chr8-27327481-G-A.
Other names: c.91C>T, p.Arg31Cys (NM_001282455.2); c.-337C>T (NM_001347705.2); c.-382C>T (NM_001347706.2); c.-323C>T (NM_001347707.2); c.-371C>T (NM_001347708.2); short protein forms R31C.
Identifiers: ClinVar variation 655142 (VCV000655142.7), dbSNP rs764887214, ClinGen allele CA4689794.

ClinVar aggregate classification (germline): Conflicting classifications of pathogenicity. Review status: criteria provided, conflicting classifications (1 of 4 stars). 3 submissions from 3 submitters: Uncertain significance (2); Likely benign (1). Last evaluated 2022-06-13.

Conditions:
Familial sleep-related hypermotor epilepsy. Also called: Autosomal Dominant Sleep-Related Hypermotor (Hyperkinetic) Epilepsy. Identifiers: Orphanet 98784, MedGen C3696898, MONDO:0000030.
Autosomal dominant nocturnal frontal lobe epilepsy 4. Also called: EPILEPSY, FAMILIAL, WITH NOCTURNAL WANDERING AND ICTAL FEAR; CHRNA2-Related Nocturnal Frontal Lobe Epilepsy, Autosomal Dominant. Identifiers: Orphanet 98784, MedGen C1835905, MONDO:0012474, OMIM 610353.

Allele frequency attached by ClinVar (database versions not stated): gnomAD 0.00001; gnomAD exomes 0.00001 and 0.00003; TOPMed 0.00001; ExAC 0.00004.
gnomAD v4.1: 17 of 1,613,388 alleles (0.0011%); highest among the groups gnomAD compares: Middle Eastern, 0.016%; no homozygotes.

Submissions (3):

Labcorp Genetics (formerly Invitae), Labcorp
Classification: Uncertain significance. Last evaluated: 2022-06-13. Review status: criteria provided, single submitter. Criteria: Invitae Variant Classification Sherloc (09022015). Collection method: clinical testing. Allele origin: germline.
Comment: This sequence change replaces arginine, which is basic and polar, with cysteine, which is neutral and slightly polar, at codon 31 of the CHRNA2 protein (p.Arg31Cys). This variant is present in population databases (rs764887214, gnomAD 0.02%). This variant has not been reported in the literature in individuals affected with CHRNA2-related conditions. ClinVar contains an entry for this variant (Variation ID: 655142). Advanced modeling of protein sequence and biophysical properties (such as structural, functional, and spatial information, amino acid conservation, physicochemical variation, residue mobility, and thermodynamic stability) performed at Invitae indicates that this missense variant is not expected to disrupt CHRNA2 protein function. In summary, the available evidence is currently insufficient to determine the role of this variant in disease. Therefore, it has been classified as a Variant of Uncertain Significance.

Blueprint Genetics
Classification: Likely benign. Last evaluated: 2021-12-28. Review status: criteria provided, single submitter. Criteria: ACMG Guidelines, 2015. Collection method: clinical testing. Allele origin: germline.

Fulgent Genetics
Classification: Uncertain significance for Autosomal dominant nocturnal frontal lobe epilepsy 4. Last evaluated: 2021-09-01. Review status: criteria provided, single submitter. Criteria: ACMG Guidelines, 2015. Collection method: clinical testing. Allele origin: unknown.